The following is an entry in ClinVar:

NM_007294.4(BRCA1):c.5323A>T (p.Met1775Leu)

Gene: BRCA1 (BRCA1 DNA repair associated; minus strand). Cytogenetic location: 17q21.31.
Variant type: single nucleotide variant.
Coding change: c.5323A>T on transcript NM_007294.4 (MANE Select); coding-DNA position 5323, A replaced by T.
Protein change: p.Met1775Leu; replaces methionine 1775 with leucine.
Molecular consequence: missense variant. On other transcripts: non-coding transcript variant (1).
Genome position (GRCh38, 1-based): chr17:43,051,072, T>A on the plus strand (A>T on the coding strand, the complement: BRCA1 is on the minus strand). VCF-style: chr17-43051072-T-A. GRCh37 (hg19) VCF-style: chr17-41203089-T-A.
Other names: c.5110A>T, p.Met1704Leu (NM_001407571.1, NM_001407896.1, NM_001407897.1 and 12 more transcripts); c.5389A>T, p.Met1797Leu (NM_001407581.1, NM_001407582.1); c.5386A>T, p.Met1796Leu (NM_001407583.1, NM_001407585.1, NM_001407587.1 and 1 more transcripts); c.5383A>T, p.Met1795Leu (NM_001407590.1, NM_001407591.1); c.5323A>T, p.Met1775Leu (NM_001407593.1, NM_001407594.1, NM_001407596.1 and 6 more transcripts); c.5320A>T, p.Met1774Leu (NM_001407610.1, NM_001407611.1, NM_001407612.1 and 17 more transcripts); c.5317A>T, p.Met1773Leu (NM_001407627.1, NM_001407628.1, NM_001407629.1 and 14 more transcripts); c.5314A>T, p.Met1772Leu (NM_001407644.1, NM_001407645.1); and 72 more; short protein forms M1775L, M671L, M1728L, M1796L, M1621L, M1648L, M1664L, M1708L.
Identifiers: ClinVar variation 868307 (VCV000868307.3), dbSNP rs2051198464, ClinGen allele CA10590904.

Conditions:
Breast-ovarian cancer, familial, susceptibility to, 1 (BROVCA1). Also called: BRCA1 Hereditary Breast and Ovarian Cancer; OVARIAN CANCER, SUSCEPTIBILITY TO. Identifiers: Orphanet 145, MedGen C2676676, MONDO:0011450, OMIM 604370. Disease mechanism: loss of function.

Submission:

Brotman Baty Institute, University of Washington
No classification provided (evidence only). Condition: Breast-ovarian cancer, familial 1. Review status: no classification provided. Collection method: in vitro. Allele origin: not applicable. Functional consequence: functionally_normal.
ClinVar note: "not provided" was previously submitted as the classification for the variant. However, the classification appeared to be based only on an observation of functional data so it was converted to no classification on 2025-07-30.